The following is an entry in ClinVar:

NM_001378615.1(CC2D2A):c.1790_1809del (p.Gln597fs)

Genes: CC2D2A (coiled-coil and C2 domain containing 2A; plus strand), FBXL5 (F-box and leucine rich repeat protein 5; minus strand). Cytogenetic location: 4p15.32.
Variant type: Deletion.
Coding change: c.1790_1809del on transcript NM_001378615.1 (MANE Select); coding-DNA positions 1790 to 1809, 20 bases deleted (AAGCAGCAGAAGAACATCCC).
Protein change: p.Gln597fs; shifts the reading frame from glutamine 597.
Molecular consequence: frameshift variant.
Genome position (GRCh38, 1-based): chr4:15,537,924-15,537,943, AAGCAGCAGAAGAACATCCC deleted; deleting any 20 consecutive bases within chr4:15,537,923-15,537,943 gives the same sequence; the c. name uses the placement nearest the transcript's 3' end. VCF-style (leftmost placement, unchanged base first): chr4-15537922-ACAAGCAGCAGAAGAACATCC-A. GRCh37 (hg19) VCF-style: chr4-15539545-ACAAGCAGCAGAAGAACATCC-A.
Other names: c.1790_1809del, p.Gln597fs (NM_001080522.2); c.1643_1662del, p.Gln548fs (NM_001378617.1); short protein forms Q548fs, Q597fs.
Identifiers: ClinVar variation 2953566 (VCV002953566.3), dbSNP rs2474978426, ClinGen allele CA2740091233.

ClinVar aggregate classification (germline): Pathogenic (1 of 4 stars; one submission).

Conditions:
Joubert syndrome. Also called: JOUBERT-BOLTSHAUSER SYNDROME; Familial aplasia of the vermis. Identifiers: Orphanet 475, MedGen C5979921, MONDO:0018772.
Meckel-Gruber syndrome. Also called: DYSENCEPHALIA SPLANCHNOCYSTICA; GRUBER SYNDROME; Dysencephalia splachnocystica. Identifiers: Orphanet 564, MedGen C0265215, MONDO:0018921.

Submission:

Labcorp Genetics (formerly Invitae), Labcorp
Classification: Pathogenic for Joubert syndrome; Meckel-Gruber syndrome. Last evaluated: 2023-11-05. Review status: criteria provided, single submitter. Criteria: Invitae Variant Classification Sherloc (09022015). Collection method: clinical testing. Allele origin: germline.
Comment: This sequence change creates a premature translational stop signal (p.Gln597Argfs*2) in the CC2D2A gene. It is expected to result in an absent or disrupted protein product. Loss-of-function variants in CC2D2A are known to be pathogenic (PMID: 19777577). This variant is not present in population databases (gnomAD no frequency). This variant has not been reported in the literature in individuals affected with CC2D2A-related conditions. For these reasons, this variant has been classified as Pathogenic.

Literature cited by the submitters: PubMed 19777577.